The following is an entry in ClinVar:

ClinVar aggregate classification (germline): Uncertain significance (1 of 4 stars; one submission).

Conditions:
Birt-Hogg-Dube syndrome. Also called: Birt Hogg Dubé syndrome. Identifiers: Orphanet 122, MedGen C0346010, MONDO:0800444.

Submission:

Labcorp Genetics (formerly Invitae), Labcorp
Classification: Uncertain significance for Birt-Hogg-Dube syndrome. Last evaluated: 2024-01-11. Review status: criteria provided, single submitter. Criteria: Invitae Variant Classification Sherloc (09022015). Collection method: clinical testing. Allele origin: unknown.
Comment: This variant results in a copy number gain of the genomic region encompassing exon(s) 1-6 of the FLCN gene. This region includes the initiator codon of the gene. This copy number gain extends beyond the assayed region for this gene and therefore may encompass additional genes. As the precise location of this event is unknown, it may be in tandem or it may be located elsewhere in the genome. This variant has not been reported in the literature in individuals affected with FLCN-related conditions. In summary, the available evidence is currently insufficient to determine the role of this variant in disease. Therefore, it has been classified as a Variant of Uncertain Significance.

NC_000017.10:g.(?_17127216)_(17140502_?)dup

Gene: FLCN (folliculin; minus strand). Cytogenetic location: 17p11.2.
Variant type: Duplication.
Identifiers: ClinVar variation 3242951 (VCV003242951.1).